The following is an entry in ClinVar:

ClinVar aggregate classification (germline): Pathogenic (3 of 4 stars; one submission).

Conditions:
Breast-ovarian cancer, familial, susceptibility to, 2 (BROVCA2). Also called: BRCA2 Hereditary Breast and Ovarian Cancer. Identifiers: Orphanet 145, MedGen C2675520, MONDO:0012933, OMIM 612555. Disease mechanism: loss of function.

Submission:

Evidence-based Network for the Interpretation of Germline Mutant Alleles (ENIGMA)
Classification: Pathogenic for Breast-ovarian cancer, familial, susceptibility to, 2. Last evaluated: 2017-12-15. Review status: reviewed by expert panel. Criteria: ENIGMA BRCA1/2 Classification Criteria (2017-06-29). Collection method: curation. Allele origin: germline. Study: ENIGMA.
Comment: Variant allele predicted to encode a truncated non-functional protein.

NM_000059.4(BRCA2):c.5085dup (p.Gly1696fs)

Gene: BRCA2 (BRCA2 DNA repair associated; plus strand). Cytogenetic location: 13q13.1.
Variant type: Duplication.
Coding change: c.5085dup on transcript NM_000059.4 (MANE Select); coding-DNA position 5085, one base duplicated (A; older notation c.5085dupA).
Protein change: p.Gly1696fs; shifts the reading frame from glycine 1696.
Molecular consequence: frameshift variant.
Genome position (GRCh38, 1-based): chr13:32,339,440, A duplicated; the last of 2 consecutive A bases (chr13:32,339,439-32,339,440); duplicating either gives the same sequence. VCF-style (leftmost placement, unchanged base first): chr13-32339438-G-GA. GRCh37 (hg19) VCF-style: chr13-32913575-G-GA.
Other names: c.5085dupA (NM_000059.3); short protein forms G1696fs.
Identifiers: ClinVar variation 548327 (VCV000548327.1), dbSNP rs1555284062, ClinGen allele CA658823632.